The following is an entry in ClinVar:

ClinVar aggregate classification (germline): Likely benign. Review status: criteria provided, multiple submitters, no conflicts (2 of 4 stars). 2 submissions from 2 submitters: Likely benign (2). Last evaluated 2026-07-01.

Allele frequency attached by ClinVar (database versions not stated): ExAC 0.00001; gnomAD 0.00001; gnomAD exomes 0.00001; TOPMed 0.00001.
gnomAD v4.1: 15 of 1,613,880 alleles (0.00093%); highest among the groups gnomAD compares: Admixed American, 0.0067%; no homozygotes.

Submissions (2):

CeGaT Center for Human Genetics Tuebingen
Classification: Likely benign. Last evaluated: 2026-07-01. Review status: criteria provided, single submitter. Criteria: CeGaT Center For Human Genetics Tuebingen Variant Classification Criteria Version 2. Collection method: clinical testing. Allele origin: germline. Affected: yes. Observed: 1 variant allele.
Comment: CCND2: BP4, BP7

Labcorp Genetics (formerly Invitae), Labcorp
Classification: Likely benign. Last evaluated: 2018-10-29. Review status: criteria provided, single submitter. Criteria: Invitae Variant Classification Sherloc (09022015). Collection method: clinical testing. Allele origin: germline.

NM_001759.4(CCND2):c.849C>T (p.Asp283=)

Gene: CCND2 (cyclin D2; plus strand). Cytogenetic location: 12p13.32.
Variant type: single nucleotide variant.
Coding change: c.849C>T on transcript NM_001759.4 (MANE Select); coding-DNA position 849, C replaced by T.
Protein change: p.Asp283=; no amino-acid change (aspartic acid 283 retained).
Molecular consequence: synonymous variant.
Genome position (GRCh38, 1-based): chr12:4,299,988, C>T. VCF-style: chr12-4299988-C-T. GRCh37 (hg19) VCF-style: chr12-4409154-C-T.
Identifiers: ClinVar variation 753938 (VCV000753938.4), dbSNP rs753148745, ClinGen allele CA6395340.
Genomic context (GRCh38, chr12:4,299,988, plus strand): 5'-GGACCAACGTGACGGATCCAAGTCGGAGGATGAACTGGACCAAGCCAGCACCCCTACAGA[C>T]GTGCGGGATATCGACCTGTGAGGATGCCAGTTGGGCCGAAAGAGAGAGACGCGTCCATAA-3'
Protein context (NP_001750.1, residues 273-289): DELDQASTPT[Asp283=]VRDIDL